The following is an entry in ClinVar:

ClinVar aggregate classification (germline): Uncertain significance (1 of 4 stars; one submission).

Conditions:
Inborn genetic diseases. Identifiers: MedGen C0950123, MeSH D030342.

Submission:

Ambry Genetics
Classification: Uncertain significance for Inborn genetic diseases. Last evaluated: 2024-11-22. Review status: criteria provided, single submitter. Criteria: Ambry Variant Classification Scheme 2023. Collection method: clinical testing. Allele origin: germline.
Comment: The p.R87L variant (also known as c.260G>T), located in coding exon 1 of the SH2B3 gene, results from a G to T substitution at nucleotide position 260. The arginine at codon 87 is replaced by leucine, an amino acid with dissimilar properties. This amino acid position is conserved. In addition, this alteration is predicted to be tolerated by in silico analysis. Based on the available evidence, the clinical significance of this variant remains unclear.

NM_005475.3(SH2B3):c.260G>T (p.Arg87Leu)

Gene: SH2B3 (SH2B adaptor protein 3; plus strand). Cytogenetic location: 12q24.12.
Variant type: single nucleotide variant.
Coding change: c.260G>T on transcript NM_005475.3 (MANE Select); coding-DNA position 260, G replaced by T.
Protein change: p.Arg87Leu; replaces arginine 87 with leucine.
Molecular consequence: missense variant.
Genome position (GRCh38, 1-based): chr12:111,418,405, G>T. VCF-style: chr12-111418405-G-T. GRCh37 (hg19) VCF-style: chr12-111856209-G-T.
Other names: short protein forms R87L.
Identifiers: ClinVar variation 3440755 (VCV003440755.1).